The following is an entry in ClinVar:

NM_022893.4(BCL11A):c.12_19dup (p.Gly7fs)

Gene: BCL11A (BCL11 transcription factor A; minus strand). Cytogenetic location: 2p16.1.
Variant type: Microsatellite.
Coding change: c.12_19dup on transcript NM_022893.4 (MANE Select); coding-DNA positions 12 to 19, 8 bases duplicated (CAAGCAAG; older notation c.12_19dupCAAGCAAG).
Protein change: p.Gly7fs; shifts the reading frame from glycine 7.
Molecular consequence: frameshift variant.
Genome position (GRCh38, 1-based): chr2:60,553,252-60,553,259, CTTGCTTG duplicated on the plus strand (CAAGCAAG on the coding strand, the reverse complement: BCL11A is on the minus strand); duplicating any 8 consecutive bases within chr2:60,553,252-60,553,260 gives the same sequence; the c. name uses the placement nearest the transcript's 3' end. VCF-style (leftmost placement, unchanged base first): chr2-60553251-C-CCTTGCTTG. GRCh37 (hg19) VCF-style: chr2-60780386-C-CCTTGCTTG.
Other names: c.12_19dup, p.Gly7fs (NM_001363864.1, NM_001365609.1, NM_018014.4 and 1 more transcripts); short protein forms G7fs.
Identifiers: ClinVar variation 452149 (VCV000452149.2), dbSNP rs1553354668, ClinGen allele CA658657036.
Genomic context (GRCh38, chr2:60,553,251, plus strand): 5'-TTATTACTATTATTGGGTTACTTACGCGAGAATTCCCGTTTGCTTAAGTGCTGGGGTTTG[C>CCTTGCTTG]CTTGCTTGCGGCGAGACATGGTGGGCTGCGGGGCGGGCGGCGGCGGCGGCGGCGGCGGCG-3'

ClinVar aggregate classification (germline): Pathogenic (1 of 4 stars; one submission).

Submission:

GeneDx
Classification: Pathogenic. Last evaluated: 2017-09-13. Review status: criteria provided, single submitter. Criteria: GeneDx Variant Classification (06012015). Collection method: clinical testing. Allele origin: germline. Affected: yes.
Comment: The c.12_19dupCAAGCAAG variant in the BCL11A gene has not been reported previously as a pathogenic variant nor as a benign variant, to our knowledge. This variant causes a frameshift starting with codon Glycine 7, changes this amino acid to an Alanine residue, and creates a premature Stop codon at position 9 of the new reading frame, denoted p.Gly7AlafsX9. This variant is predicted to cause loss of normal protein function either through protein truncation or nonsense-mediated mRNA decay. The c.12_19dupCAAGCAAG variant is not observed in large population cohorts (Lek et al., 2016; 1000 Genomes Consortium et al., 2015; Exome Variant Server). We interpret c.12_19dupCAAGCAAG as a pathogenic variant.